The following is an entry in ClinVar:

ClinVar aggregate classification (germline): Uncertain significance (1 of 4 stars; one submission).

Conditions:
Familial adenomatous polyposis 1 (FAP1). Also called: POLYPOSIS, ADENOMATOUS INTESTINAL; FAMILIAL ADENOMATOUS POLYPOSIS 1, ATTENUATED. Identifiers: MedGen C2713442, MONDO:0021056, OMIM 175100. Disease mechanism: loss of function.

Submission:

Labcorp Genetics (formerly Invitae), Labcorp
Classification: Uncertain significance for Familial adenomatous polyposis 1. Last evaluated: 2022-01-26. Review status: criteria provided, single submitter. Criteria: Invitae Variant Classification Sherloc (09022015). Collection method: clinical testing. Allele origin: germline.
Comment: This sequence change replaces leucine, which is neutral and non-polar, with valine, which is neutral and non-polar, at codon 2452 of the APC protein (p.Leu2452Val). This variant is not present in population databases (gnomAD no frequency). This variant has not been reported in the literature in individuals affected with APC-related conditions. ClinVar contains an entry for this variant (Variation ID: 950900). Algorithms developed to predict the effect of missense changes on protein structure and function are either unavailable or do not agree on the potential impact of this missense change (SIFT: "Tolerated"; PolyPhen-2: "Probably Damaging"; Align-GVGD: "Class C0"). Algorithms developed to predict the effect of sequence changes on RNA splicing suggest that this variant may create or strengthen a splice site. In summary, the available evidence is currently insufficient to determine the role of this variant in disease. Therefore, it has been classified as a Variant of Uncertain Significance.

NM_000038.6(APC):c.7354T>G (p.Leu2452Val)

Gene: APC (APC regulator of Wnt signaling pathway; plus strand). Cytogenetic location: 5q22.2.
Variant type: single nucleotide variant.
Coding change: c.7354T>G on transcript NM_000038.6 (MANE Select); coding-DNA position 7354, T replaced by G.
Protein change: p.Leu2452Val; replaces leucine 2452 with valine.
Molecular consequence: missense variant.
Genome position (GRCh38, 1-based): chr5:112,842,948, T>G. VCF-style: chr5-112842948-T-G. GRCh37 (hg19) VCF-style: chr5-112178645-T-G.
Other names: c.7354T>G, p.Leu2452Val (NM_001127510.3, NM_001354895.2); c.7300T>G, p.Leu2434Val (NM_001127511.3); c.7408T>G, p.Leu2470Val (NM_001354896.2); c.7384T>G, p.Leu2462Val (NM_001354897.2); c.7279T>G, p.Leu2427Val (NM_001354898.2); c.7270T>G, p.Leu2424Val (NM_001354899.2); c.7231T>G, p.Leu2411Val (NM_001354900.2); c.7177T>G, p.Leu2393Val (NM_001354901.2); and 5 more; short protein forms L2292V, L2351V, L2411V, L2427V, L2452V, L2462V, L2393V, L2169V.
Identifiers: ClinVar variation 950900 (VCV000950900.11), dbSNP rs1766455306, ClinGen allele CA16037346.